The following is an entry in ClinVar:

ClinVar aggregate classification (germline): Uncertain significance (1 of 4 stars; one submission).

Submission:

Labcorp Genetics (formerly Invitae), Labcorp
Classification: Uncertain significance. Last evaluated: 2025-11-18. Review status: criteria provided, single submitter. Criteria: Invitae Variant Classification Sherloc (09022015). Collection method: clinical testing. Allele origin: germline.
Comment: This sequence change replaces serine, which is neutral and polar, with leucine, which is neutral and non-polar, at codon 642 of the IL12RB2 protein (p.Ser642Leu). This variant is not present in population databases (gnomAD no frequency). This variant has not been reported in the literature in individuals affected with IL12RB2-related conditions. An algorithm developed to predict the effect of missense changes on protein structure and function (PolyPhen-2) suggests that this variant is likely to be disruptive. Algorithms developed to predict the effect of sequence changes on RNA splicing suggest that this variant may disrupt the consensus splice site. In summary, the available evidence is currently insufficient to determine the role of this variant in disease. Therefore, it has been classified as a Variant of Uncertain Significance.

NM_001374259.2(IL12RB2):c.1925C>T (p.Ser642Leu)

Gene: IL12RB2 (interleukin 12 receptor subunit beta 2; plus strand). Cytogenetic location: 1p31.3.
Variant type: single nucleotide variant.
Coding change: c.1925C>T on transcript NM_001374259.2 (MANE Select); coding-DNA position 1925, C replaced by T.
Protein change: p.Ser642Leu; replaces serine 642 with leucine.
Molecular consequence: missense variant. On other transcripts: non-coding transcript variant (1), intron variant (1).
Genome position (GRCh38, 1-based): chr1:67,386,648, C>T. VCF-style: chr1-67386648-C-T. GRCh37 (hg19) VCF-style: chr1-67852331-C-T.
Other names: c.1925C>T, p.Ser642Leu (NM_001258214.1, NM_001319233.1, NM_001559.3); c.1667C>T, p.Ser556Leu (NM_001258215.1); c.1855+6525C>T (NM_001258216.1); short protein forms S556L, S642L.
Identifiers: ClinVar variation 4697573 (VCV004697573.1).
Genomic context (GRCh38, chr1:67,386,648, plus strand): 5'-ATTGGATGGCGTTTGTGGCACCAAGCATTTGCATTGCTATCATCATGGTGGGCATTTTCT[C>T]AACGCATTACTTCCAGCAAAAGTGAGTTGGTTACACCTACCAAGTGGGTAAATGAGGCTT-3'
Protein context (NP_001361188.1, residues 632-652): CIAIIMVGIF[Ser642Leu]THYFQQKVFV